The following is an entry in ClinVar:

NM_025193.4(HSD3B7):c.*2G>A

Gene: HSD3B7 (hydroxy-delta-5-steroid dehydrogenase, 3 beta- and steroid delta-isomerase 7; plus strand). Cytogenetic location: 16p11.2.
Variant type: single nucleotide variant.
Coding change: c.*2G>A on transcript NM_025193.4 (MANE Select); 2 bases downstream of the stop codon, G replaced by A.
Molecular consequence: 3 prime UTR variant.
Genome position (GRCh38, 1-based): chr16:30,988,185, G>A. VCF-style: chr16-30988185-G-A. GRCh37 (hg19) VCF-style: chr16-30999506-G-A.
Other names: c.*358G>A (NM_001142777.2, NM_001142778.2).
Identifiers: ClinVar variation 3053662 (VCV003053662.2), dbSNP rs747934703, ClinGen allele CA8018188.

ClinVar aggregate classification (germline): Likely benign (0 of 4 stars; one submission).

Conditions:
HSD3B7-related disorder. Also called: HSD3B7-related condition.

Allele frequency attached by ClinVar (database versions not stated): TOPMed 0.00006; gnomAD 0.00008; ExAC 0.00011.
gnomAD v4.1: 164 of 1,589,344 alleles (0.01%); highest among the groups gnomAD compares: Middle Eastern, 0.016%; no homozygotes.

Submission:

PreventionGenetics, part of Exact Sciences
Classification: Likely benign for HSD3B7-related condition. Last evaluated: 2019-10-28. Review status: no assertion criteria provided. Collection method: clinical testing. Allele origin: germline.
Comment: This variant is classified as likely benign based on ACMG/AMP sequence variant interpretation guidelines (Richards et al. 2015 PMID: 25741868, with internal and published modifications).